The following is an entry in ClinVar:

ClinVar aggregate classification (germline): Uncertain significance. Review status: criteria provided, multiple submitters, no conflicts (2 of 4 stars). 4 submissions from 4 submitters: Uncertain significance (4). Last evaluated 2026-01-20.

Conditions:
Juvenile polyposis syndrome (JPS). Identifiers: Orphanet 2929, MedGen C0345893, MONDO:0017380, OMIM 174900.
Hereditary cancer-predisposing syndrome. Also called: Hereditary neoplastic syndrome; Neoplastic Syndromes, Hereditary; Tumor predisposition; Hereditary Cancer Syndrome. Identifiers: Orphanet 140162, MedGen C0027672, MeSH D009386, MONDO:0015356.

Allele frequency attached by ClinVar (database versions not stated): gnomAD 0.00002; TOPMed 0.00005.
gnomAD v4.1: 3 of 1,613,880 alleles (0.00019%); highest among the groups gnomAD compares: African/African-American, 0.004%; no homozygotes.

Submissions (4):

Labcorp Genetics (formerly Invitae), Labcorp
Classification: Uncertain significance for Juvenile polyposis syndrome. Last evaluated: 2026-01-20. Review status: criteria provided, single submitter. Criteria: Invitae Variant Classification Sherloc (09022015). Collection method: clinical testing. Allele origin: germline.
Comment: This sequence change replaces aspartic acid, which is acidic and polar, with alanine, which is neutral and non-polar, at codon 40 of the BMPR1A protein (p.Asp40Ala). This variant is not present in population databases (gnomAD no frequency). This variant has not been reported in the literature in individuals affected with BMPR1A-related conditions. ClinVar contains an entry for this variant (Variation ID: 411634). Invitae Evidence Modeling incorporating data from in vitro experimental studies (internal data) indicates that this missense variant is not expected to disrupt BMPR1A function with a negative predictive value of 95%. In summary, the available evidence is currently insufficient to determine the role of this variant in disease. Therefore, it has been classified as a Variant of Uncertain Significance.

Ambry Genetics
Classification: Uncertain significance for Hereditary cancer-predisposing syndrome. Last evaluated: 2024-12-27. Review status: criteria provided, single submitter. Criteria: Ambry Variant Classification Scheme 2023. Collection method: clinical testing. Allele origin: germline.
Comment: The p.D40A variant (also known as c.119A>C), located in coding exon 2 of the BMPR1A gene, results from an A to C substitution at nucleotide position 119. The aspartic acid at codon 40 is replaced by alanine, an amino acid with dissimilar properties. This amino acid position is not well conserved in available vertebrate species. In addition, this alteration is predicted to be tolerated by in silico analysis. Based on the available evidence, the clinical significance of this variant remains unclear.

Color Diagnostics, LLC DBA Color Health
Classification: Uncertain significance for Hereditary cancer-predisposing syndrome. Last evaluated: 2023-12-05. Review status: criteria provided, single submitter. Criteria: ACMG Guidelines, 2015. Collection method: clinical testing. Allele origin: germline.
Comment: This missense variant replaces aspartic acid with alanine at codon 40 of the BMPR1A protein. Computational prediction suggests that this variant may not impact protein structure and function (internally defined REVEL score threshold <= 0.5, PMID: 27666373). To our knowledge, functional studies have not been reported for this variant. This variant has not been reported in individuals affected with BMPR1A-related disorders in the literature. This variant has not been identified in the general population by the Genome Aggregation Database (gnomAD). The available evidence is insufficient to determine the role of this variant in disease conclusively. Therefore, this variant is classified as a Variant of Uncertain Significance.

GeneDx
Classification: Uncertain significance. Last evaluated: 2023-01-13. Review status: criteria provided, single submitter. Criteria: GeneDx Variant Classification Process June 2021. Collection method: clinical testing. Allele origin: germline. Affected: yes.
Comment: Not observed at significant frequency in large population cohorts (gnomAD); In silico analysis supports that this missense variant does not alter protein structure/function; Has not been previously published as pathogenic or benign to our knowledge

NM_004329.3(BMPR1A):c.119A>C (p.Asp40Ala)

Gene: BMPR1A (bone morphogenetic protein receptor type 1A; plus strand). Cytogenetic location: 10q23.2.
Variant type: single nucleotide variant.
Coding change: c.119A>C on transcript NM_004329.3 (MANE Select); coding-DNA position 119, A replaced by C.
Protein change: p.Asp40Ala; replaces aspartic acid 40 with alanine.
Molecular consequence: missense variant.
Genome position (GRCh38, 1-based): chr10:86,890,113, A>C. VCF-style: chr10-86890113-A-C. GRCh37 (hg19) VCF-style: chr10-88649870-A-C.
Other names: short protein forms D40A.
Identifiers: ClinVar variation 411634 (VCV000411634.20), dbSNP rs1060503403, ClinGen allele CA16612967.